The following is an entry in ClinVar:

ClinVar aggregate classification (germline): Uncertain significance. Review status: criteria provided, multiple submitters, no conflicts (2 of 4 stars). 2 submissions from 2 submitters: Uncertain significance (2). Last evaluated 2024-11-18.

Conditions:
Neurofibromatosis, type 1 (NF1). Also called: Peripheral type neurofibromatosis; Neurofibromatosis, type I; VON RECKLINGHAUSEN DISEASE; NEUROFIBROMATOSIS, TYPE I, SOMATIC. Identifiers: Orphanet 636, MedGen C0027831, MONDO:0018975, OMIM 162200. Disease mechanism: loss of function.
Hereditary cancer-predisposing syndrome. Also called: Neoplastic Syndromes, Hereditary; Hereditary neoplastic syndrome; Hereditary Cancer Syndrome; Tumor predisposition. Identifiers: Orphanet 140162, MedGen C0027672, MeSH D009386, MONDO:0015356.
Cardiovascular phenotype. Identifiers: MedGen CN230736.

Allele frequency attached by ClinVar (database versions not stated): gnomAD exomes below 0.00001; TOPMed 0.00001.
gnomAD v4.1: 4 of 1,613,528 alleles (0.00025%); highest among the groups gnomAD compares: Middle Eastern, 0.017%; no homozygotes.

Submissions (2):

Ambry Genetics
Classification: Uncertain significance for Cardiovascular phenotype; Hereditary cancer-predisposing syndrome. Last evaluated: 2024-11-18. Review status: criteria provided, single submitter. Criteria: Ambry Variant Classification Scheme 2023. Collection method: clinical testing. Allele origin: germline.
Comment: The p.V1317I variant (also known as c.3949G>A), located in coding exon 29 of the NF1 gene, results from a G to A substitution at nucleotide position 3949. The valine at codon 1317 is replaced by isoleucine, an amino acid with highly similar properties. This amino acid position is well conserved in available vertebrate species. In addition, this alteration is predicted to be tolerated by in silico analysis. Based on the available evidence, the clinical significance of this variant remains unclear.

Labcorp Genetics (formerly Invitae), Labcorp
Classification: Uncertain significance for Neurofibromatosis, type 1. Last evaluated: 2023-09-30. Review status: criteria provided, single submitter. Criteria: Invitae Variant Classification Sherloc (09022015). Collection method: clinical testing. Allele origin: germline.
Comment: This sequence change replaces valine, which is neutral and non-polar, with isoleucine, which is neutral and non-polar, at codon 1317 of the NF1 protein (p.Val1317Ile). This variant is not present in population databases (gnomAD no frequency). This variant has not been reported in the literature in individuals affected with NF1-related conditions. ClinVar contains an entry for this variant (Variation ID: 943779). Advanced modeling of protein sequence and biophysical properties (such as structural, functional, and spatial information, amino acid conservation, physicochemical variation, residue mobility, and thermodynamic stability) performed at Invitae indicates that this missense variant is not expected to disrupt NF1 protein function. In summary, the available evidence is currently insufficient to determine the role of this variant in disease. Therefore, it has been classified as a Variant of Uncertain Significance.

NM_001042492.3(NF1):c.3949G>A (p.Val1317Ile)

Gene: NF1 (neurofibromin 1; plus strand). Cytogenetic location: 17q11.2.
Variant type: single nucleotide variant.
Coding change: c.3949G>A on transcript NM_001042492.3 (MANE Select); coding-DNA position 3949, G replaced by A.
Protein change: p.Val1317Ile; replaces valine 1317 with isoleucine.
Molecular consequence: missense variant.
Genome position (GRCh38, 1-based): chr17:31,235,996, G>A. VCF-style: chr17-31235996-G-A. GRCh37 (hg19) VCF-style: chr17-29563014-G-A.
Other names: c.3949G>A, p.Val1317Ile (NM_000267.4); short protein forms V1317I.
Identifiers: ClinVar variation 943779 (VCV000943779.10), dbSNP rs1555615560, ClinGen allele CA398993260.